The following is an entry in ClinVar:

NM_004380.3(CREBBP):c.6606_6620del (p.Gln2212_Gln2216del)

Gene: CREBBP (CREB binding protein; minus strand). Cytogenetic location: 16p13.3.
Variant type: Deletion.
Coding change: c.6606_6620del on transcript NM_004380.3 (MANE Select); coding-DNA positions 6606 to 6620, 15 bases deleted (GCAACAGCAGCAGCA).
Protein change: p.Gln2212_Gln2216del.
Molecular consequence: inframe deletion.
Genome position (GRCh38, 1-based): chr16:3,728,427-3,728,441, TGCTGCTGCTGTTGC deleted on the plus strand (GCAACAGCAGCAGCA on the coding strand, the reverse complement: CREBBP is on the minus strand); deleting any 15 consecutive bases within chr16:3,728,427-3,728,452 gives the same sequence; the c. name uses the placement nearest the transcript's 3' end. VCF-style (leftmost placement, unchanged base first): chr16-3728426-TTGCTGCTGCTGTTGC-T. GRCh37 (hg19) VCF-style: chr16-3778427-TTGCTGCTGCTGTTGC-T.
Other names: c.6492_6506del, p.Gln2174_Gln2178del (NM_001079846.1); c.6606_6620del15 (NM_004380.2).
Identifiers: ClinVar variation 509967 (VCV000509967.1), dbSNP rs1555470941, ClinGen allele CA620714433.

ClinVar aggregate classification (germline): Likely benign (1 of 4 stars; one submission).

Submission:

GeneDx
Classification: Likely benign. Last evaluated: 2017-05-25. Review status: criteria provided, single submitter. Criteria: GeneDx Variant Classification (06012015). Collection method: clinical testing. Allele origin: germline. Affected: yes.
Comment: This variant is considered likely benign or benign based on one or more of the following criteria: it is a conservative change, it occurs at a poorly conserved position in the protein, it is predicted to be benign by multiple in silico algorithms, and/or has population frequency not consistent with disease.